The following is an entry in ClinVar:

ClinVar aggregate classification (germline): Likely benign (1 of 4 stars; one submission).

Submission:

CeGaT Center for Human Genetics Tuebingen
Classification: Likely benign. Last evaluated: 2026-01-01. Review status: criteria provided, single submitter. Criteria: CeGaT Center For Human Genetics Tuebingen Variant Classification Criteria Version 2. Collection method: clinical testing. Allele origin: germline. Affected: yes. Observed: 1 variant allele.
Comment: GTPBP3: PM2:Supporting, BP4, BP7

NM_032620.4(GTPBP3):c.888A>G (p.Gly296=)

Gene: GTPBP3 (GTP binding protein 3, mitochondrial; plus strand). Cytogenetic location: 19p13.11.
Variant type: single nucleotide variant.
Coding change: c.888A>G on transcript NM_032620.4 (MANE Select); coding-DNA position 888, A replaced by G.
Protein change: p.Gly296=; no amino-acid change (glycine 296 retained).
Molecular consequence: synonymous variant.
Genome position (GRCh38, 1-based): chr19:17,339,513, A>G. VCF-style: chr19-17339513-A-G. GRCh37 (hg19) VCF-style: chr19-17450322-A-G.
Other names: c.888A>G, p.Gly296= (NM_001128855.3); c.954A>G, p.Gly318= (NM_001195422.1); c.984A>G, p.Gly328= (NM_133644.4).
Identifiers: ClinVar variation 4823252 (VCV004823252.4).
Genomic context (GRCh38, chr19:17,339,513, plus strand): 5'-CGTGTCCCCGGAGCCAGGGACCACCCGTGACGTGCTGGAGACCCCAGTCGACCTGGCCGG[A>G]TTTCCTGTGCTGCTGAGCGACACGGCTGGGTTGCGGGAGGGCGTGGGGCCCGTGGAGCAG-3'
Protein context (NP_116009.2, residues 286-306): DVLETPVDLA[Gly296=]FPVLLSDTAG